The following is an entry in ClinVar:

NM_014055.4(IFT81):c.899_900insT (p.Glu301fs)

Gene: IFT81 (intraflagellar transport 81; plus strand). Cytogenetic location: 12q24.11.
Variant type: Insertion.
Coding change: c.899_900insT on transcript NM_014055.4 (MANE Select); coding-DNA positions 899 to 900, T inserted.
Protein change: p.Glu301fs; shifts the reading frame from glutamic acid 301.
Molecular consequence: frameshift variant. On other transcripts: non-coding transcript variant (3), intron variant (2).
Genome position: GRCh38 VCF-style: chr12-110143499-C-CT. GRCh37 (hg19) VCF-style: chr12-110581304-C-CT.
Other names: c.899_900insT, p.Glu301fs (NM_001143779.2, NM_001347946.2, NM_031473.4); c.16-3454_16-3453insT (NM_001347948.2, NM_001347947.2); short protein forms E301fs.
Identifiers: ClinVar variation 4780661 (VCV004780661.2).
Genomic context (GRCh38, chr12:110,143,499, plus strand): 5'-AATTTCCTAAAGAATTAGAAAATAAGAAAAAGGAATTACATTTTTTACAAAAAGTAGTTT[C>CT]AGAGCCAGCTATGGGCCATTCTGATCTTCTTGAACTTGAATCTAAAGTAAGTGAGAATCA-3'

ClinVar aggregate classification (germline): Pathogenic/Likely pathogenic. Review status: criteria provided, multiple submitters, no conflicts (2 of 4 stars). 2 submissions from 2 submitters: Pathogenic (1); Likely pathogenic (1). Last evaluated 2025-10-18.

Conditions:
IFT81-related disorders.

Submissions (2):

Labcorp Genetics (formerly Invitae), Labcorp
Classification: Pathogenic. Last evaluated: 2025-10-18. Review status: criteria provided, single submitter. Criteria: Invitae Variant Classification Sherloc (09022015). Collection method: clinical testing. Allele origin: germline.
Comment: This sequence change creates a premature translational stop signal (p.Glu301Argfs*8) in the IFT81 gene. It is expected to result in an absent or disrupted protein product. Loss-of-function variants in IFT81 are known to be pathogenic (PMID: 26275418, 27666822). This variant is present in population databases (rs776017535, gnomAD 0.003%). This variant has not been reported in the literature in individuals affected with IFT81-related conditions. Algorithms developed to predict the effect of sequence changes on RNA splicing suggest that this variant may disrupt the consensus splice site. For these reasons, this variant has been classified as Pathogenic.

Blueprint Genetics
Classification: Likely pathogenic for IFT81-related disorders. Last evaluated: 2021-05-03. Review status: criteria provided, single submitter. Criteria: ACMG Guidelines, 2015. Collection method: clinical testing. Allele origin: germline. Affected: yes. Observed: 2 variant alleles.

Literature cited by the submitters: PubMed 26275418 (cited by Labcorp Genetics (formerly Invitae), Labcorp); PubMed 27666822 (cited by Labcorp Genetics (formerly Invitae), Labcorp).